The following is an entry in ClinVar:

ClinVar aggregate classification (germline): Likely benign. Review status: criteria provided, multiple submitters, no conflicts (2 of 4 stars). 3 submissions from 3 submitters: Likely benign (2). 1 of the submissions does not count toward it. Last evaluated 2024-10-30.

Conditions:
INPPL1-related disorder. Also called: INPPL1-related condition.

Allele frequency attached by ClinVar (database versions not stated): TOPMed 0.00002; ExAC 0.00003; gnomAD exomes 0.00007.
gnomAD v4.1: 46 of 1,582,208 alleles (0.0029%); highest among the groups gnomAD compares: Non-Finnish European, 0.0039%; no homozygotes.

Submissions (3):

Blueprint Genetics
Classification: Likely benign. Last evaluated: 2024-10-30. Review status: criteria provided, single submitter. Criteria: ACMG Guidelines, 2015. Collection method: clinical testing. Allele origin: germline.

Labcorp Genetics (formerly Invitae), Labcorp
Classification: Likely benign. Last evaluated: 2024-01-18. Review status: criteria provided, single submitter. Criteria: Invitae Variant Classification Sherloc (09022015). Collection method: clinical testing. Allele origin: germline.

PreventionGenetics, part of Exact Sciences
Classification: Likely benign for INPPL1-related condition. Last evaluated: 2021-12-28. Review status: no assertion criteria provided. Collection method: clinical testing. Allele origin: germline. Not counted in ClinVar's aggregate classification.
Comment: This variant is classified as likely benign based on ACMG/AMP sequence variant interpretation guidelines (Richards et al. 2015 PMID: 25741868, with internal and published modifications).

NM_001567.4(INPPL1):c.518+8C>A

Gene: INPPL1 (inositol polyphosphate phosphatase like 1; plus strand). Cytogenetic location: 11q13.4.
Variant type: single nucleotide variant.
Coding change: c.518+8C>A on transcript NM_001567.4 (MANE Select); 8 bases into the intron after coding-DNA position 518, C replaced by A.
Molecular consequence: intron variant.
Genome position (GRCh38, 1-based): chr11:72,228,855, C>A. VCF-style: chr11-72228855-C-A. GRCh37 (hg19) VCF-style: chr11-71939899-C-A.
Other names: c.518+8C>A (NM_001567.3).
Identifiers: ClinVar variation 1902534 (VCV001902534.8), dbSNP rs749317647, ClinGen allele CA6169686.